The following is an entry in ClinVar:

NM_001001548.3(CD36):c.1133G>T (p.Gly378Val)

Gene: CD36 (CD36 molecule (CD36 blood group); plus strand). Cytogenetic location: 7q21.11.
Variant type: single nucleotide variant.
Coding change: c.1133G>T on transcript NM_001001548.3 (MANE Select); coding-DNA position 1133, G replaced by T.
Protein change: p.Gly378Val; replaces glycine 378 with valine.
Molecular consequence: missense variant. On other transcripts: non-coding transcript variant (1).
Genome position (GRCh38, 1-based): chr7:80,672,777, G>T. VCF-style: chr7-80672777-G-T. GRCh37 (hg19) VCF-style: chr7-80302093-G-T.
Other names: c.1133G>T, p.Gly378Val (NM_000072.3, NM_001001547.3, NM_001127443.2 and 5 more transcripts); c.1016G>T, p.Gly339Val (NM_001289908.1); c.953G>T, p.Gly318Val (NM_001289909.1); c.905G>T, p.Gly302Val (NM_001289911.2); c.1031G>T, p.Gly344Val (NM_001371079.1); c.668G>T, p.Gly223Val (NM_001371080.1, NM_001371081.1); c.1133G>T (NM_001001548.2); short protein forms G378V, G318V, G339V, G302V, G223V, G344V.
Identifiers: ClinVar variation 360767 (VCV000360767.26), dbSNP rs146027667, ClinGen allele CA4315626.

ClinVar aggregate classification (germline): Conflicting classifications of pathogenicity. Review status: criteria provided, conflicting classifications (1 of 4 stars). 7 submissions from 7 submitters: Likely pathogenic (1); Uncertain significance (6). Last evaluated 2026-08-06.

Conditions:
CD36-related disorder. Also called: CD36-related condition; CD36-related disorders.
Platelet-type bleeding disorder 10. Also called: CD36 DEFICIENCY. Identifiers: MedGen C1842090, MONDO:0012031, OMIM 608404.
Malaria, susceptibility to. Identifiers: Orphanet 673, MedGen C1970028, MONDO:0021024, OMIM 611162.

Allele frequency attached by ClinVar (database versions not stated): gnomAD exomes 0.00031 and 0.00057; gnomAD 0.00060; TOPMed 0.00062; ExAC 0.00070; ESP Exome Variant Server 0.00085.
gnomAD v4.1: 569 of 1,607,108 alleles (0.035%); highest among the groups gnomAD compares: Middle Eastern, 0.5%; 2 homozygotes.

Submissions (7):

OLLIN Analises Genomicas, OLLIN
Classification: Uncertain significance for Malaria, susceptibility to. Last evaluated: 2026-08-06. Review status: criteria provided, single submitter. Criteria: ACMG Guidelines 2015 PMID 25741868. Collection method: clinical testing. Allele origin: germline.
Comment: This missense variant, located in exon 12 (of 15), has been reported in ClinVar (accession VCV000360767.23) and in gnomAD with an allele frequency of 0.035%. However, to our knowledge, it has not been reported in the scientific literature. In silico analysis predicts that this variant has a deleterious effect. According to the currently available evidence, this variant has been classified as uncertain significance (PP3_M, BS1).

PreventionGenetics, part of Exact Sciences
Classification: Uncertain significance for CD36-related condition. Last evaluated: 2026-02-16. Review status: criteria provided, single submitter. Criteria: ACMG Guidelines, 2015. Collection method: clinical testing. Allele origin: germline.
Comment: The CD36 c.1133G>T variant is predicted to result in the amino acid substitution p.Gly378Val. This variant was reported in two individuals with CD36 deficiency (Flesch et al. 2021. PubMed ID: 33822386). It has also been reported in a family with gingival overgrowth in a mother and her two sons (Machado et al. 2022. PubMed ID: 35665929). However, this CD36-disease association has not been established. This variant is reported in 0.11% of alleles in individuals of Latino descent in gnomAD. At this time, the clinical significance of this variant is uncertain due to the absence of conclusive functional and genetic evidence.

CeGaT Center for Human Genetics Tuebingen
Classification: Likely pathogenic. Last evaluated: 2024-08-01. Review status: criteria provided, single submitter. Criteria: CeGaT Center For Human Genetics Tuebingen Variant Classification Criteria Version 2. Collection method: clinical testing. Allele origin: germline. Affected: yes. Observed: 1 variant allele.
Comment: CD36: PM3:Strong, PM2, PP4:Moderate

Dasa
Classification: Uncertain significance. Last evaluated: 2024-07-15. Review status: criteria provided, single submitter. Criteria: DASA Assertion Criteria. Collection method: clinical testing. Allele origin: germline.
Comment: NM_001001548.3(CD36):c.1133G>T (p.Gly378Val) is a missense variant that results in the substitution of glycine with valine. Computational prediction algorithms are consistent with a deleterious effect. The currently available literature and clinical evidence are not sufficient to establish a definitive association between this variant and the reported condition. Therefore, this variant is classified as a variant of uncertain significance.

Department of Pathology and Laboratory Medicine, Sinai Health System
Classification: Uncertain significance for platelet-type bleeding disorder 10. Last evaluated: 2022-07-21. Review status: criteria provided, single submitter. Criteria: ACMG Guidelines, 2015. Collection method: research. Allele origin: germline.

Illumina Laboratory Services, Illumina
Classification: Uncertain significance for Platelet-type bleeding disorder 10. Last evaluated: 2018-01-13. Review status: criteria provided, single submitter. Criteria: ICSL Variant Classification Criteria 13 December 2019. Collection method: clinical testing. Allele origin: germline.

Breakthrough Genomics
Classification: Uncertain significance. Review status: criteria provided, single submitter. Criteria: ACMG Guidelines, 2015. Collection method: not provided. Allele origin: germline. Inheritance: Autosomal recessive inheritance. Affected: yes.